The following is an entry in ClinVar:

NM_004369.4(COL6A3):c.5330G>T (p.Gly1777Val)

Gene: COL6A3 (collagen type VI alpha 3 chain; minus strand). Cytogenetic location: 2q37.3.
Variant type: single nucleotide variant.
Coding change: c.5330G>T on transcript NM_004369.4 (MANE Select); coding-DNA position 5330, G replaced by T.
Protein change: p.Gly1777Val; replaces glycine 1777 with valine.
Molecular consequence: missense variant.
Genome position (GRCh38, 1-based): chr2:237,366,857, C>A on the plus strand (G>T on the coding strand, the complement: COL6A3 is on the minus strand). VCF-style: chr2-237366857-C-A. GRCh37 (hg19) VCF-style: chr2-238275500-C-A.
Other names: c.3509G>T, p.Gly1170Val (NM_057166.5); c.4712G>T, p.Gly1571Val (NM_057167.4); short protein forms G1170V, G1777V, G1571V.
Identifiers: ClinVar variation 953507 (VCV000953507.10), dbSNP rs1477823319, ClinGen allele CA351187709.
Genomic context (GRCh38, chr2:237,366,857, plus strand): 5'-AACGCTGTGGCGCTGTTGGACGCTATCTTTCCAACCTCCTCCGAGTCGATATTCCTCACT[C>A]CAACAGCAAACACTTTGACCCCCCTCTGGGTGAGGGCCAGGCTCACATCCTGTGCATCTT-3'
Protein context (NP_004360.2, residues 1767-1787): TQRGVKVFAV[Gly1777Val]VRNIDSEEVG

ClinVar aggregate classification (germline): Uncertain significance (1 of 4 stars; one submission).

Conditions:
Bethlem myopathy 1A. Also called: Bethlem Muscular Dystrophy; Bethlem myopathy 1; MYOPATHY, BENIGN CONGENITAL, WITH CONTRACTURES. Identifiers: Orphanet 610, MedGen CN029274, MONDO:0024530, OMIM 158810.

Allele frequency attached by ClinVar (database versions not stated): gnomAD exomes below 0.00001 and 0.00001; gnomAD 0.00001; TOPMed 0.00001.
gnomAD v4.1: 6 of 1,614,126 alleles (0.00037%); highest among the groups gnomAD compares: Non-Finnish European, 0.00051%; no homozygotes.

Submission:

Labcorp Genetics (formerly Invitae), Labcorp
Classification: Uncertain significance for Bethlem myopathy 1A. Last evaluated: 2022-06-03. Review status: criteria provided, single submitter. Criteria: Invitae Variant Classification Sherloc (09022015). Collection method: clinical testing. Allele origin: germline.
Comment: Advanced modeling of protein sequence and biophysical properties (such as structural, functional, and spatial information, amino acid conservation, physicochemical variation, residue mobility, and thermodynamic stability) performed at Invitae indicates that this missense variant is expected to disrupt COL6A3 protein function. In summary, the available evidence is currently insufficient to determine the role of this variant in disease. Therefore, it has been classified as a Variant of Uncertain Significance. ClinVar contains an entry for this variant (Variation ID: 953507). This variant has not been reported in the literature in individuals affected with COL6A3-related conditions. This variant is present in population databases (no rsID available, gnomAD 0.0009%). This sequence change replaces glycine, which is neutral and non-polar, with valine, which is neutral and non-polar, at codon 1777 of the COL6A3 protein (p.Gly1777Val).